The following is an entry in ClinVar:

ClinVar aggregate classification (germline): Uncertain significance (1 of 4 stars; one submission).

Conditions:
Hereditary cancer-predisposing syndrome. Also called: Tumor predisposition; Hereditary Cancer Syndrome; Neoplastic Syndromes, Hereditary; Hereditary neoplastic syndrome. Identifiers: Orphanet 140162, MedGen C0027672, MeSH D009386, MONDO:0015356.

Submission:

Ambry Genetics
Classification: Uncertain significance for Hereditary cancer-predisposing syndrome. Last evaluated: 2022-05-16. Review status: criteria provided, single submitter. Criteria: Ambry Variant Classification Scheme 2023. Collection method: clinical testing. Allele origin: germline.
Comment: The p.S900T variant (also known as c.2698T>A), located in coding exon 15 of the APC gene, results from a T to A substitution at nucleotide position 2698. The serine at codon 900 is replaced by threonine, an amino acid with similar properties. This amino acid position is conserved. In addition, in silico predictors for this gene do not accurately predict pathogenicity. Since supporting evidence is limited at this time, the clinical significance of this alteration remains unclear.

NM_000038.6(APC):c.2698T>A (p.Ser900Thr)

Gene: APC (APC regulator of Wnt signaling pathway; plus strand). Cytogenetic location: 5q22.2.
Variant type: single nucleotide variant.
Coding change: c.2698T>A on transcript NM_000038.6 (MANE Select); coding-DNA position 2698, T replaced by A.
Protein change: p.Ser900Thr; replaces serine 900 with threonine.
Molecular consequence: missense variant.
Genome position (GRCh38, 1-based): chr5:112,838,292, T>A. VCF-style: chr5-112838292-T-A. GRCh37 (hg19) VCF-style: chr5-112173989-T-A.
Other names: c.2698T>A, p.Ser900Thr (NM_001127510.3, NM_001354895.2, NM_001407450.1); c.2644T>A, p.Ser882Thr (NM_001127511.3); c.2752T>A, p.Ser918Thr (NM_001354896.2, NM_001407447.1, NM_001407448.1 and 1 more transcripts); c.2728T>A, p.Ser910Thr (NM_001354897.2); c.2623T>A, p.Ser875Thr (NM_001354898.2); c.2614T>A, p.Ser872Thr (NM_001354899.2); c.2575T>A, p.Ser859Thr (NM_001354900.2); c.2521T>A, p.Ser841Thr (NM_001354901.2, NM_001407453.1); and 11 more; short protein forms S809T, S893T, S774T, S875T, S910T, S918T, S928T, S740T.
Identifiers: ClinVar variation 1794864 (VCV001794864.2), dbSNP rs777974681, ClinGen allele CA16027219.